The following is an entry in ClinVar:

ClinVar aggregate classification (germline): Uncertain significance (1 of 4 stars; one submission).

Conditions:
PKHD1-related disorder. Also called: PKHD1-related condition.

gnomAD v4.1: 3 of 1,613,460 alleles (0.00019%); highest among the groups gnomAD compares: Non-Finnish European, 0.00025%; no homozygotes.

Submission:

PreventionGenetics, part of Exact Sciences
Classification: Uncertain significance for PKHD1-related condition. Last evaluated: 2025-04-14. Review status: criteria provided, single submitter. Criteria: ACMG Guidelines, 2015. Collection method: clinical testing. Allele origin: germline.
Comment: The PKHD1 c.11771C>T variant is predicted to result in the amino acid substitution p.Thr3924Ile. To our knowledge, this variant has not been reported in the literature. This variant is reported in 0.00088% of alleles in individuals of European (Non-Finnish) descent in gnomAD. At this time, the clinical significance of this variant is uncertain due to the absence of conclusive functional and genetic evidence.

NM_138694.4(PKHD1):c.11771C>T (p.Thr3924Ile)

Gene: PKHD1 (PKHD1 ciliary IPT domain containing fibrocystin/polyductin; minus strand). Cytogenetic location: 6p12.3.
Variant type: single nucleotide variant.
Coding change: c.11771C>T on transcript NM_138694.4 (MANE Select); coding-DNA position 11771, C replaced by T.
Protein change: p.Thr3924Ile; replaces threonine 3924 with isoleucine.
Molecular consequence: missense variant.
Genome position (GRCh38, 1-based): chr6:51,627,011, G>A on the plus strand (C>T on the coding strand, the complement: PKHD1 is on the minus strand). VCF-style: chr6-51627011-G-A. GRCh37 (hg19) VCF-style: chr6-51491809-G-A.
Other names: short protein forms T3924I.
Identifiers: ClinVar variation 5002197 (VCV005002197.1).